The following is an entry in ClinVar:

ClinVar aggregate classification (germline): Likely benign. Review status: criteria provided, multiple submitters, no conflicts (2 of 4 stars). 4 submissions from 4 submitters: Likely benign (4). Last evaluated 2026-05-24.

Conditions:
Cardiovascular phenotype. Identifiers: MedGen CN230736.

Allele frequency attached by ClinVar (database versions not stated): ExAC 0.00001; 1000 Genomes Project 0.00020; gnomAD 0.00004 and 0.00005; TOPMed 0.00004; 1000 Genomes Project 30x 0.00016; gnomAD exomes 0.00002.
gnomAD v4.1: 47 of 1,614,052 alleles (0.0029%); highest among the groups gnomAD compares: African/African-American, 0.012%; 1 homozygote.

Submissions (4):

Women's Health and Genetics/Laboratory Corporation of America, LabCorp
Classification: Likely benign. Last evaluated: 2026-05-24. Review status: criteria provided, single submitter. Criteria: LabCorp Variant Classification Summary - May 2015. Collection method: clinical testing. Allele origin: germline.

Labcorp Genetics (formerly Invitae), Labcorp
Classification: Likely benign. Last evaluated: 2025-08-16. Review status: criteria provided, single submitter. Criteria: Invitae Variant Classification Sherloc (09022015). Collection method: clinical testing. Allele origin: germline.

Ambry Genetics
Classification: Likely benign for Cardiovascular phenotype. Last evaluated: 2019-09-28. Review status: criteria provided, single submitter. Criteria: Ambry Variant Classification Scheme 2023. Collection method: clinical testing. Allele origin: germline.

GeneDx
Classification: Likely benign. Last evaluated: 2017-01-09. Review status: criteria provided, single submitter. Criteria: GeneDx Variant Classification (06012015). Collection method: clinical testing. Allele origin: germline. Affected: yes.
Comment: This variant is considered likely benign or benign based on one or more of the following criteria: it is a conservative change, it occurs at a poorly conserved position in the protein, it is predicted to be benign by multiple in silico algorithms, and/or has population frequency not consistent with disease.

NM_020778.5(ALPK3):c.2649G>A (p.Pro883=)

Gene: ALPK3 (alpha kinase 3; plus strand). Cytogenetic location: 15q25.3.
Variant type: single nucleotide variant.
Coding change: c.2649G>A on transcript NM_020778.5 (MANE Select); coding-DNA position 2649, G replaced by A.
Protein change: p.Pro883=; no amino-acid change (proline 883 retained).
Molecular consequence: synonymous variant.
Genome position (GRCh38, 1-based): chr15:84,857,387, G>A. VCF-style: chr15-84857387-G-A. GRCh37 (hg19) VCF-style: chr15-85400618-G-A.
Identifiers: ClinVar variation 392517 (VCV000392517.9), dbSNP rs115903792, ClinGen allele CA7709463.